The following is an entry in ClinVar:

ClinVar aggregate classification (germline): Uncertain significance (1 of 4 stars; one submission).

Allele frequency attached by ClinVar (database versions not stated): ExAC 0.00002; gnomAD exomes below 0.00001.
gnomAD v4.1: 4 of 1,612,950 alleles (0.00025%); highest among the groups gnomAD compares: Admixed American, 0.0017%; no homozygotes.

Submission:

Labcorp Genetics (formerly Invitae), Labcorp
Classification: Uncertain significance. Last evaluated: 2022-11-08. Review status: criteria provided, single submitter. Criteria: Invitae Variant Classification Sherloc (09022015). Collection method: clinical testing. Allele origin: germline.
Comment: In summary, the available evidence is currently insufficient to determine the role of this variant in disease. Therefore, it has been classified as a Variant of Uncertain Significance. Advanced modeling of protein sequence and biophysical properties (such as structural, functional, and spatial information, amino acid conservation, physicochemical variation, residue mobility, and thermodynamic stability) performed at Invitae indicates that this missense variant is not expected to disrupt TTC26 protein function. This variant has not been reported in the literature in individuals affected with TTC26-related conditions. This variant is present in population databases (rs766837592, gnomAD 0.004%). This sequence change replaces threonine, which is neutral and polar, with isoleucine, which is neutral and non-polar, at codon 531 of the TTC26 protein (p.Thr531Ile).

NM_024926.4(IFT56):c.1592C>T (p.Thr531Ile)

Gene: IFT56 (intraflagellar transport 56; plus strand). Cytogenetic location: 7q34.
Variant type: single nucleotide variant.
Coding change: c.1592C>T on transcript NM_024926.4 (MANE Select); coding-DNA position 1592, C replaced by T.
Protein change: p.Thr531Ile; replaces threonine 531 with isoleucine.
Molecular consequence: missense variant. On other transcripts: synonymous variant (1).
Genome position (GRCh38, 1-based): chr7:139,189,359, C>T. VCF-style: chr7-139189359-C-T. GRCh37 (hg19) VCF-style: chr7-138874105-C-T.
Other names: c.1458C>T, p.His486= (NM_001144920.3); c.1499C>T, p.Thr500Ile (NM_001144923.3); c.1199C>T, p.Thr400Ile (NM_001287512.2); c.1277C>T, p.Thr426Ile (NM_001287513.2); c.1172C>T, p.Thr391Ile (NM_001318333.2); c.1562C>T, p.Thr521Ile (NM_001321740.2); c.1274C>T, p.Thr425Ile (NM_001321741.2); short protein forms T391I, T425I, T426I, T531I, T400I, T500I, T521I.
Identifiers: ClinVar variation 1967371 (VCV001967371.3), dbSNP rs766837592, ClinGen allele CA4508532.